The following is an entry in ClinVar:

ClinVar aggregate classification (germline): Benign/Likely benign. Review status: criteria provided, multiple submitters, no conflicts (2 of 4 stars). 2 submissions from 2 submitters: Benign (1); Likely benign (1). Last evaluated 2025-09-28.

Allele frequency attached by ClinVar (database versions not stated): TOPMed 0.00001; gnomAD 0.00002; gnomAD exomes 0.00009; ExAC 0.00016; 1000 Genomes Project 0.00040; 1000 Genomes Project 30x 0.00047.
gnomAD v4.1: 139 of 1,614,208 alleles (0.0086%); highest among the groups gnomAD compares: South Asian, 0.13%; 2 homozygotes.

Submissions (2):

Labcorp Genetics (formerly Invitae), Labcorp
Classification: Benign. Last evaluated: 2025-09-28. Review status: criteria provided, single submitter. Criteria: Invitae Variant Classification Sherloc (09022015). Collection method: clinical testing. Allele origin: germline.

CeGaT Center for Human Genetics Tuebingen
Classification: Likely benign. Last evaluated: 2022-03-01. Review status: criteria provided, single submitter. Criteria: CeGaT Center For Human Genetics Tuebingen Variant Classification Criteria Version 2. Collection method: clinical testing. Allele origin: germline. Affected: yes. Observed: 1 variant allele.
Comment: SLC30A10: BP4, BP7

NM_018713.3(SLC30A10):c.1164G>A (p.Lys388=)

Gene: SLC30A10 (solute carrier family 30 member 10; minus strand). Cytogenetic location: 1q41.
Variant type: single nucleotide variant.
Coding change: c.1164G>A on transcript NM_018713.3 (MANE Select); coding-DNA position 1164, G replaced by A.
Protein change: p.Lys388=; no amino-acid change (lysine 388 retained).
Molecular consequence: synonymous variant.
Genome position (GRCh38, 1-based): chr1:219,915,743, C>T on the plus strand (G>A on the coding strand, the complement: SLC30A10 is on the minus strand). VCF-style: chr1-219915743-C-T. GRCh37 (hg19) VCF-style: chr1-220089085-C-T.
Other names: c.975G>A, p.Lys325= (NM_001376929.1); c.489G>A, p.Lys163= (NM_001416004.1, NM_001416005.1).
Identifiers: ClinVar variation 2170334 (VCV002170334.28), dbSNP rs564303811, ClinGen allele CA1399160.